The following is an entry in ClinVar:

NM_000179.3(MSH6):c.3214G>A (p.Gly1072Ser)

Gene: MSH6 (mutS homolog 6; plus strand). Cytogenetic location: 2p16.3.
Variant type: single nucleotide variant.
Coding change: c.3214G>A on transcript NM_000179.3 (MANE Select); coding-DNA position 3214, G replaced by A.
Protein change: p.Gly1072Ser; replaces glycine 1072 with serine.
Molecular consequence: missense variant.
Genome position (GRCh38, 1-based): chr2:47,803,461, G>A. VCF-style: chr2-47803461-G-A. GRCh37 (hg19) VCF-style: chr2-48030600-G-A.
Other names: c.2824G>A, p.Gly942Ser (NM_001281492.2); c.2308G>A, p.Gly770Ser (NM_001281493.2, NM_001281494.2); short protein forms G1072S, G942S, G770S.
Identifiers: ClinVar variation 619584 (VCV000619584.8), dbSNP rs1558386938, ClinGen allele CA346757947.

ClinVar aggregate classification (germline): Uncertain significance. Review status: criteria provided, multiple submitters, no conflicts (2 of 4 stars). 3 submissions from 3 submitters: Uncertain significance (3). Last evaluated 2025-04-10.

Conditions:
Lynch syndrome. Identifiers: Orphanet 144, MedGen C4552100, MONDO:0005835. Disease mechanism: loss of function.
Hereditary cancer-predisposing syndrome. Also called: Neoplastic Syndromes, Hereditary; Hereditary neoplastic syndrome; Tumor predisposition; Hereditary Cancer Syndrome. Identifiers: Orphanet 140162, MedGen C0027672, MeSH D009386, MONDO:0015356.

Submissions (3):

Ambry Genetics
Classification: Uncertain significance for Hereditary cancer-predisposing syndrome. Last evaluated: 2025-04-10. Review status: criteria provided, single submitter. Criteria: Ambry Variant Classification Scheme 2023. Collection method: clinical testing. Allele origin: germline.
Comment: The p.G1072S variant (also known as c.3214G>A), located in coding exon 5 of the MSH6 gene, results from a G to A substitution at nucleotide position 3214. The glycine at codon 1072 is replaced by serine, an amino acid with similar properties. This amino acid position is well conserved in available vertebrate species. In addition, this alteration is predicted to be deleterious by in silico analysis. Based on the available evidence, the clinical significance of this variant remains unclear.

Color Diagnostics, LLC DBA Color Health
Classification: Uncertain significance for Hereditary cancer-predisposing syndrome. Last evaluated: 2019-05-15. Review status: criteria provided, single submitter. Criteria: ACMG Guidelines, 2015. Collection method: clinical testing. Allele origin: germline.

University of Washington Department of Laboratory Medicine, University of Washington
Classification: Uncertain significance for Lynch syndrome. Last evaluated: 2018-05-01. Review status: criteria provided, single submitter. Criteria: Shirts BH et al. (Am J Hum Genet 2018). Collection method: clinical testing. Allele origin: somatic. Affected: yes.
Comment: MSH6 NM_000179.2:c.3214G>A has a 14.6% probability of pathogenicity based on combining prior probability from public data with a likelihood ratio of 1.56 to 1, generated from evidence of seeing this as a somatic mutation in a tumor without loss of heterozygosity at the MSH6 locus. See Shirts et al 2018, PMID 29887214.